The following is an entry in ClinVar:

ClinVar aggregate classification (germline): Uncertain significance (1 of 4 stars; one submission).

Conditions:
Common variable immunodeficiency (CVID). Also called: Common variable hypogamma-globulinemia; Common variable agammaglobulinemia. Identifiers: Orphanet 1572, MedGen C0009447, MONDO:0015517.

Allele frequency attached by ClinVar (database versions not stated): gnomAD exomes below 0.00001.
gnomAD v4.1: 1 of 1,612,230 alleles (0.000062%); highest among the groups gnomAD compares: Non-Finnish European, 0.000085%; no homozygotes.

Submission:

Labcorp Genetics (formerly Invitae), Labcorp
Classification: Uncertain significance for Common variable immunodeficiency. Last evaluated: 2023-11-28. Review status: criteria provided, single submitter. Criteria: Invitae Variant Classification Sherloc (09022015). Collection method: clinical testing. Allele origin: germline.
Comment: This sequence change replaces cysteine, which is neutral and slightly polar, with phenylalanine, which is neutral and non-polar, at codon 210 of the TNFSF12 protein (p.Cys210Phe). This variant is not present in population databases (gnomAD no frequency). This variant has not been reported in the literature in individuals affected with TNFSF12-related conditions. An algorithm developed to predict the effect of missense changes on protein structure and function (PolyPhen-2) suggests that this variant is likely to be disruptive. In summary, the available evidence is currently insufficient to determine the role of this variant in disease. Therefore, it has been classified as a Variant of Uncertain Significance.

NM_003809.3(TNFSF12):c.629G>T (p.Cys210Phe)

Genes: TNFSF12 (TNF superfamily member 12; plus strand), TNFSF12-TNFSF13 (TNFSF12-TNFSF13 readthrough; plus strand). Cytogenetic location: 17p13.1.
Variant type: single nucleotide variant.
Coding change: c.629G>T on transcript NM_003809.3 (MANE Select); coding-DNA position 629, G replaced by T.
Protein change: p.Cys210Phe; replaces cysteine 210 with phenylalanine.
Molecular consequence: missense variant. On other transcripts: non-coding transcript variant (1), intron variant (1).
Genome position (GRCh38, 1-based): chr17:7,557,229, G>T. VCF-style: chr17-7557229-G-T. GRCh37 (hg19) VCF-style: chr17-7460546-G-T.
Other names: c.498+327G>T (NM_172089.4); short protein forms C210F.
Identifiers: ClinVar variation 2699408 (VCV002699408.3), dbSNP rs2508363430, ClinGen allele CA397863932.